The following is an entry in ClinVar:

ClinVar aggregate classification (germline): Uncertain significance (1 of 4 stars; one submission).

Allele frequency attached by ClinVar (database versions not stated): ExAC 0.00001; gnomAD exomes below 0.00001; TOPMed below 0.00001.
gnomAD v4.1: 1 of 1,613,988 alleles (0.000062%); highest among the groups gnomAD compares: Non-Finnish European, 0.000085%; no homozygotes.

Submission:

Labcorp Genetics (formerly Invitae), Labcorp
Classification: Uncertain significance. Last evaluated: 2024-11-05. Review status: criteria provided, single submitter. Criteria: Invitae Variant Classification Sherloc (09022015). Collection method: clinical testing. Allele origin: germline.
Comment: This sequence change replaces alanine, which is neutral and non-polar, with serine, which is neutral and polar, at codon 248 of the GNPTG protein (p.Ala248Ser). This variant is present in population databases (rs773331398, gnomAD 0.003%). This variant has not been reported in the literature in individuals affected with GNPTG-related conditions. ClinVar contains an entry for this variant (Variation ID: 1399781). An algorithm developed to predict the effect of missense changes on protein structure and function (PolyPhen-2) suggests that this variant is likely to be tolerated. Algorithms developed to predict the effect of sequence changes on RNA splicing suggest that this variant may disrupt the consensus splice site. In summary, the available evidence is currently insufficient to determine the role of this variant in disease. Therefore, it has been classified as a Variant of Uncertain Significance.

NM_032520.5(GNPTG):c.742G>T (p.Ala248Ser)

Gene: GNPTG (N-acetylglucosamine-1-phosphate transferase subunit gamma; plus strand). Cytogenetic location: 16p13.3.
Variant type: single nucleotide variant.
Coding change: c.742G>T on transcript NM_032520.5 (MANE Select); coding-DNA position 742, G replaced by T.
Protein change: p.Ala248Ser; replaces alanine 248 with serine.
Molecular consequence: missense variant.
Genome position (GRCh38, 1-based): chr16:1,362,825, G>T. VCF-style: chr16-1362825-G-T. GRCh37 (hg19) VCF-style: chr16-1412826-G-T.
Other names: short protein forms A248S.
Identifiers: ClinVar variation 1399781 (VCV001399781.7), dbSNP rs773331398, ClinGen allele CA7807932.